The following is an entry in ClinVar:

ClinVar aggregate classification (germline): Uncertain significance (1 of 4 stars; one submission).

Conditions:
Rubinstein-Taybi syndrome due to EP300 haploinsufficiency. Also called: EP300-Related Rubinstein-Taybi Syndrome; RUBINSTEIN-TAYBI SYNDROME 2. Identifiers: Orphanet 353284, Orphanet 783, MedGen C3150941, MONDO:0013364, OMIM 613684.

Submission:

Labcorp Genetics (formerly Invitae), Labcorp
Classification: Uncertain significance for Rubinstein-Taybi syndrome due to EP300 haploinsufficiency. Last evaluated: 2024-12-03. Review status: criteria provided, single submitter. Criteria: Invitae Variant Classification Sherloc (09022015). Collection method: clinical testing. Allele origin: germline.
Comment: This sequence change replaces glutamine, which is neutral and polar, with lysine, which is basic and polar, at codon 2332 of the EP300 protein (p.Gln2332Lys). This variant is not present in population databases (gnomAD no frequency). This variant has not been reported in the literature in individuals affected with EP300-related conditions. Invitae Evidence Modeling of protein sequence and biophysical properties (such as structural, functional, and spatial information, amino acid conservation, physicochemical variation, residue mobility, and thermodynamic stability) has been performed for this missense variant. However, the output from this modeling did not meet the statistical confidence thresholds required to predict the impact of this variant on EP300 protein function. In summary, the available evidence is currently insufficient to determine the role of this variant in disease. Therefore, it has been classified as a Variant of Uncertain Significance.

NM_001429.4(EP300):c.6994C>A (p.Gln2332Lys)

Gene: EP300 (EP300 lysine acetyltransferase; plus strand). Cytogenetic location: 22q13.2.
Variant type: single nucleotide variant.
Coding change: c.6994C>A on transcript NM_001429.4 (MANE Select); coding-DNA position 6994, C replaced by A.
Protein change: p.Gln2332Lys; replaces glutamine 2332 with lysine.
Molecular consequence: missense variant.
Genome position (GRCh38, 1-based): chr22:41,178,705, C>A. VCF-style: chr22-41178705-C-A. GRCh37 (hg19) VCF-style: chr22-41574709-C-A.
Other names: c.6916C>A, p.Gln2306Lys (NM_001362843.2); short protein forms Q2306K, Q2332K.
Identifiers: ClinVar variation 3716660 (VCV003716660.2).